The following is an entry in ClinVar:

ClinVar aggregate classification (germline): Uncertain significance (1 of 4 stars; one submission).

Submission:

Labcorp Genetics (formerly Invitae), Labcorp
Classification: Uncertain significance. Last evaluated: 2025-06-14. Review status: criteria provided, single submitter. Criteria: Invitae Variant Classification Sherloc (09022015). Collection method: clinical testing. Allele origin: germline.
Comment: This sequence change replaces glycine, which is neutral and non-polar, with tryptophan, which is neutral and slightly polar, at codon 260 of the GATA5 protein (p.Gly260Trp). This variant is not present in population databases (gnomAD no frequency). This variant has not been reported in the literature in individuals affected with GATA5-related conditions. ClinVar contains an entry for this variant (Variation ID: 1483975). Invitae Evidence Modeling of protein sequence and biophysical properties (such as structural, functional, and spatial information, amino acid conservation, physicochemical variation, residue mobility, and thermodynamic stability) indicates that this missense variant is expected to disrupt GATA5 protein function with a positive predictive value of 80%. In summary, the available evidence is currently insufficient to determine the role of this variant in disease. Therefore, it has been classified as a Variant of Uncertain Significance.

NM_080473.5(GATA5):c.778G>T (p.Gly260Trp)

Gene: GATA5 (GATA binding protein 5; minus strand). Cytogenetic location: 20q13.33.
Variant type: single nucleotide variant.
Coding change: c.778G>T on transcript NM_080473.5 (MANE Select); coding-DNA position 778, G replaced by T.
Protein change: p.Gly260Trp; replaces glycine 260 with tryptophan.
Molecular consequence: missense variant.
Genome position (GRCh38, 1-based): chr20:62,466,473, C>A on the plus strand (G>T on the coding strand, the complement: GATA5 is on the minus strand). VCF-style: chr20-62466473-C-A. GRCh37 (hg19) VCF-style: chr20-61041529-C-A.
Other names: short protein forms G260W.
Identifiers: ClinVar variation 1483975 (VCV001483975.6), dbSNP rs2146481326, ClinGen allele CA409553900.